The following is an entry in ClinVar:

ClinVar aggregate classification (germline): Pathogenic/Likely pathogenic. Review status: criteria provided, multiple submitters, no conflicts (2 of 4 stars). 4 submissions from 4 submitters: Pathogenic (3); Likely pathogenic (1). Last evaluated 2024-04-01.

Conditions:
Cerebral arteriopathy, autosomal dominant, with subcortical infarcts and leukoencephalopathy, type 1 (CADASIL1). Also called: CADASIL 1; DEMENTIA, HEREDITARY MULTIINFARCT TYPE; CASIL; Cerebral arteriopathy with subcortical infarcts and leukoencephalopathy 1. Identifiers: Orphanet 136, MedGen C4551768, MONDO:0000914, OMIM 125310.

Submissions (4):

Mayo Clinic Laboratories, Mayo Clinic
Classification: Pathogenic. Last evaluated: 2024-04-01. Review status: criteria provided, single submitter. Criteria: ACMG Guidelines, 2015. Collection method: clinical testing. Allele origin: germline. Observed: 1 variant allele.
Comment: PP3, PP4, PM1, PM2_moderate, PM5, PS4

Department of Human Genetics, Hannover Medical School
Classification: Likely pathogenic for Cerebral arteriopathy, autosomal dominant, with subcortical infarcts and leukoencephalopathy, type 1. Last evaluated: 2023-08-14. Review status: criteria provided, single submitter. Criteria: ACMG Guidelines, 2015. Collection method: clinical testing. Allele origin: germline. Inheritance: Autosomal dominant inheritance. Affected: yes.

Labcorp Genetics (formerly Invitae), Labcorp
Classification: Pathogenic. Last evaluated: 2022-11-04. Review status: criteria provided, single submitter. Criteria: Invitae Variant Classification Sherloc (09022015). Collection method: clinical testing. Allele origin: germline.
Comment: This sequence change replaces cysteine, which is neutral and slightly polar, with tyrosine, which is neutral and polar, at codon 428 of the NOTCH3 protein (p.Cys428Tyr). This variant is not present in population databases (gnomAD no frequency). This missense change has been observed in individuals with cerebral arteriopathy with subcortical infarcts and leukoencephalopathy 1 (PMID: 15834039, 16009764). ClinVar contains an entry for this variant (Variation ID: 585591). Advanced modeling of protein sequence and biophysical properties (such as structural, functional, and spatial information, amino acid conservation, physicochemical variation, residue mobility, and thermodynamic stability) performed at Invitae indicates that this missense variant is expected to disrupt NOTCH3 protein function. For these reasons, this variant has been classified as Pathogenic. This variant disrupts the p.Cys428 amino acid residue in NOTCH3. Other variant(s) that disrupt this residue have been determined to be pathogenic (PMID: 15834039; Invitae). This suggests that this residue is clinically significant, and that variants that disrupt this residue are likely to be disease-causing.

Athena Diagnostics
Classification: Pathogenic. Last evaluated: 2017-09-12. Review status: criteria provided, single submitter. Criteria: Athena Diagnostics Criteria. Collection method: clinical testing. Allele origin: germline.

Literature cited by the submitters: PubMed 15364702 (cited by Mayo Clinic Laboratories, Mayo Clinic and Athena Diagnostics); PubMed 15834039 (cited by 3 submitters); PubMed 16009764 (cited by Mayo Clinic Laboratories, Mayo Clinic and Labcorp Genetics (formerly Invitae), Labcorp); PubMed 37873835 (cited by Mayo Clinic Laboratories, Mayo Clinic).

NM_000435.3(NOTCH3):c.1283G>A (p.Cys428Tyr)

Gene: NOTCH3 (notch receptor 3; minus strand). Cytogenetic location: 19p13.12.
Variant type: single nucleotide variant.
Coding change: c.1283G>A on transcript NM_000435.3 (MANE Select); coding-DNA position 1283, G replaced by A.
Protein change: p.Cys428Tyr; replaces cysteine 428 with tyrosine.
Molecular consequence: missense variant.
Genome position (GRCh38, 1-based): chr19:15,189,084, C>T on the plus strand (G>A on the coding strand, the complement: NOTCH3 is on the minus strand). VCF-style: chr19-15189084-C-T. GRCh37 (hg19) VCF-style: chr19-15299895-C-T.
Other names: p.Cys428Tyr; short protein forms C428Y.
Identifiers: ClinVar variation 585591 (VCV000585591.6), dbSNP rs1568360455, ClinGen allele CA404528054.